The following is an entry in ClinVar:

ClinVar aggregate classification (germline): Uncertain significance. Review status: criteria provided, multiple submitters, no conflicts (2 of 4 stars). 2 submissions from 2 submitters: Uncertain significance (2). Last evaluated 2025-06-26.

Allele frequency attached by ClinVar (database versions not stated): gnomAD exomes 0.00001 and below 0.00001; TOPMed 0.00001; ExAC 0.00001; gnomAD 0.00001.
gnomAD v4.1: 7 of 1,599,082 alleles (0.00044%); highest among the groups gnomAD compares: African/African-American, 0.0027%; no homozygotes.

Submissions (2):

GeneDx
Classification: Uncertain significance. Last evaluated: 2025-06-26. Review status: criteria provided, single submitter. Criteria: GeneDx Variant Classification Process June 2021. Collection method: clinical testing. Allele origin: germline. Affected: yes.
Comment: Not observed at significant frequency in large population cohorts (gnomAD); In silico analysis supports that this missense variant has a deleterious effect on protein structure/function; Has not been previously published as pathogenic or benign to our knowledge

Laboratory for Molecular Medicine, Mass General Brigham Personalized Medicine
Classification: Uncertain significance. Last evaluated: 2016-04-08. Review status: criteria provided, single submitter. Criteria: LMM Criteria. Collection method: clinical testing. Allele origin: germline. Observed: 1 variant allele.
Comment: The p.Ile207Thr variant in OTOGL has not been previously reported in individuals with hearing loss. This variant has been identified in 1/8178 East Asian chromo somes by the Exome Aggregation Consortium (ExAC; dbSNP rs751591512). Although this variant has been seen in the general populati on, its frequency is not high enough to rule out a pathogenic role. Computationa l prediction tools and conservation analyses do not provide strong support for o r against an impact to the protein. In summary, the clinical significance of the p.Ile207Thr variant is uncertain.

NM_001378609.3(OTOGL):c.647T>C (p.Ile216Thr)

Gene: OTOGL (otogelin like; plus strand). Cytogenetic location: 12q21.31.
Variant type: single nucleotide variant.
Coding change: c.647T>C on transcript NM_001378609.3 (MANE Select); coding-DNA position 647, T replaced by C.
Protein change: p.Ile216Thr; replaces isoleucine 216 with threonine.
Molecular consequence: missense variant.
Genome position (GRCh38, 1-based): chr12:80,232,927, T>C. VCF-style: chr12-80232927-T-C. GRCh37 (hg19) VCF-style: chr12-80626707-T-C.
Other names: c.647T>C, p.Ile216Thr (NM_001368062.3, NM_001378610.3, NM_173591.7); short protein forms I207T, I216T.
Identifiers: ClinVar variation 504897 (VCV000504897.6), dbSNP rs751591512, ClinGen allele CA6700228.